The following is an entry in ClinVar:

ClinVar aggregate classification (germline): Uncertain significance (1 of 4 stars; one submission).

Conditions:
Nemaline myopathy 2 (NEM2). Also called: Nemaline myopathy 2, autosomal recessive. Identifiers: MedGen C1850569, MONDO:0009725, OMIM 256030.

Allele frequency attached by ClinVar (database versions not stated): gnomAD exomes below 0.00001; TOPMed below 0.00001.
gnomAD v4.1: 2 of 1,613,868 alleles (0.00012%); highest among the groups gnomAD compares: South Asian, 0.0011%; no homozygotes.

Submission:

Labcorp Genetics (formerly Invitae), Labcorp
Classification: Uncertain significance for Nemaline myopathy 2. Last evaluated: 2024-02-16. Review status: criteria provided, single submitter. Criteria: Invitae Variant Classification Sherloc (09022015). Collection method: clinical testing. Allele origin: germline.
Comment: This sequence change replaces lysine, which is basic and polar, with arginine, which is basic and polar, at codon 1842 of the NEB protein (p.Lys1842Arg). This variant is not present in population databases (gnomAD no frequency). This variant has not been reported in the literature in individuals affected with NEB-related conditions. ClinVar contains an entry for this variant (Variation ID: 1519975). Experimental studies and prediction algorithms are not available or were not evaluated, and the functional significance of this variant is currently unknown. In summary, the available evidence is currently insufficient to determine the role of this variant in disease. Therefore, it has been classified as a Variant of Uncertain Significance.

NM_001164508.2(NEB):c.5525A>G (p.Lys1842Arg)

Gene: NEB (nebulin; minus strand). Cytogenetic location: 2q23.3.
Variant type: single nucleotide variant.
Coding change: c.5525A>G on transcript NM_001164508.2 (MANE Select); coding-DNA position 5525, A replaced by G.
Protein change: p.Lys1842Arg; replaces lysine 1842 with arginine.
Molecular consequence: missense variant.
Genome position (GRCh38, 1-based): chr2:151,663,786, T>C on the plus strand (A>G on the coding strand, the complement: NEB is on the minus strand). VCF-style: chr2-151663786-T-C. GRCh37 (hg19) VCF-style: chr2-152520300-T-C.
Other names: c.5525A>G, p.Lys1842Arg (NM_001164507.2, NM_001271208.2, NM_004543.5); short protein forms K1842R.
Identifiers: ClinVar variation 1519975 (VCV001519975.4), dbSNP rs2099172694, ClinGen allele CA348808763.